The following is an entry in ClinVar:

ClinVar aggregate classification (germline): Uncertain significance (1 of 4 stars; one submission).

Conditions:
Birbeck granule deficiency. Also called: BIRBECK GRANULES, ABSENCE OF. Identifiers: MedGen C3150657, MONDO:0013251, OMIM 613393.

Allele frequency attached by ClinVar (database versions not stated): TOPMed 0.00001; gnomAD exomes 0.00002; ExAC 0.00003.
gnomAD v4.1: 13 of 1,613,944 alleles (0.00081%); highest among the groups gnomAD compares: East Asian, 0.013%; no homozygotes.

Submission:

Center for Genomics, Ann and Robert H. Lurie Children's Hospital of Chicago
Classification: Uncertain significance for Birbeck granule deficiency. Last evaluated: 2021-03-30. Review status: criteria provided, single submitter. Criteria: ACMG Guidelines, 2015. Collection method: clinical testing. Allele origin: germline.
Comment: CD207 NM_015717 exon 3 p.Asn134Asn (c.402C>T): This variant has not been reported in the literature but is present in 5/17248 East Asian alleles in the Genome Aggregation Database. Evolutionary conservation and computational predictive tools for this variant are limited or unavailable. Of note, this variant is a silent variant and does not change the amino acid, reducing the probability that this variant is disease causing. In summary, data on this variant is insufficient for disease classification. Therefore, the clinical significance of this variant is uncertain.

NM_015717.5(CD207):c.402C>T (p.Asn134=)

Gene: CD207 (CD207 molecule; minus strand). Cytogenetic location: 2p13.3.
Variant type: single nucleotide variant.
Coding change: c.402C>T on transcript NM_015717.5 (MANE Select); coding-DNA position 402, C replaced by T.
Protein change: p.Asn134=; no amino-acid change (asparagine 134 retained).
Molecular consequence: synonymous variant.
Genome position (GRCh38, 1-based): chr2:70,833,809, G>A on the plus strand (C>T on the coding strand, the complement: CD207 is on the minus strand). VCF-style: chr2-70833809-G-A. GRCh37 (hg19) VCF-style: chr2-71060940-G-A.
Identifiers: ClinVar variation 625908 (VCV000625908.2), dbSNP rs782591870, ClinGen allele CA1700426.
Genomic context (GRCh38, chr2:70,833,809, plus strand): 5'-GATTTGGGCATTTAAGGTACTGACTTCTTCCCAACTTCTTGTTAAGATCTGGATCTGTGC[G>A]TTGGCCTTCTCCACACTGGTTTTTAACTTCAGGAACTGAGAACGCACATAACCCAGGCTC-3'
Protein context (NP_056532.4, residues 124-144): LKLKTSVEKA[Asn134=]AQIQILTRSW